The following is an entry in ClinVar:

NM_001166108.2(PALLD):c.3171G>C (p.Gln1057His)

Genes: CBR4 (carbonyl reductase 4; minus strand), PALLD (palladin, cytoskeletal associated protein; plus strand). Cytogenetic location: 4q32.3.
Variant type: single nucleotide variant.
Coding change: c.3171G>C on transcript NM_001166108.2 (MANE Select); coding-DNA position 3171, G replaced by C.
Protein change: p.Gln1057His; replaces glutamine 1057 with histidine.
Molecular consequence: missense variant.
Genome position (GRCh38, 1-based): chr4:168,924,367, G>C. VCF-style: chr4-168924367-G-C. GRCh37 (hg19) VCF-style: chr4-169845518-G-C.
Other names: c.1974G>C, p.Gln658His (NM_001166109.2); c.1659G>C, p.Gln553His (NM_001166110.2); c.999G>C, p.Gln333His (NM_001367567.1, NM_001367569.1); c.1050G>C, p.Gln350His (NM_001367568.1, NM_001367570.1); c.3120G>C, p.Gln1040His (NM_016081.4); short protein forms Q1040H, Q333H, Q350H, Q553H, Q1057H, Q658H.
Identifiers: ClinVar variation 2625572 (VCV002625572.4), dbSNP rs2534252693, ClinGen allele CA358712547.

ClinVar aggregate classification (germline): Uncertain significance. Review status: criteria provided, multiple submitters, no conflicts (2 of 4 stars). 2 submissions from 2 submitters: Uncertain significance (2). Last evaluated 2024-02-24.

Conditions:
Pancreatic adenocarcinoma. Identifiers: MedGen C0281361, MONDO:0006047, HP:0006725.

Submissions (2):

Labcorp Genetics (formerly Invitae), Labcorp
Classification: Uncertain significance for Pancreatic adenocarcinoma. Last evaluated: 2024-02-24. Review status: criteria provided, single submitter. Criteria: Invitae Variant Classification Sherloc (09022015). Collection method: clinical testing. Allele origin: germline.
Comment: This sequence change replaces glutamine, which is neutral and polar, with histidine, which is basic and polar, at codon 553 of the PALLD protein (p.Gln553His). This variant is not present in population databases (gnomAD no frequency). This variant has not been reported in the literature in individuals affected with PALLD-related conditions. ClinVar contains an entry for this variant (Variation ID: 2625572). An algorithm developed to predict the effect of missense changes on protein structure and function (PolyPhen-2) suggests that this variant is likely to be disruptive. In summary, the available evidence is currently insufficient to determine the role of this variant in disease. Therefore, it has been classified as a Variant of Uncertain Significance.

Ambry Genetics
Classification: Uncertain significance. Last evaluated: 2023-09-13. Review status: criteria provided, single submitter. Criteria: Ambry Variant Classification Scheme 2023. Collection method: clinical testing. Allele origin: germline.
Comment: The p.Q1040H variant (also known as c.3120G>C), located in coding exon 17 of the PALLD gene, results from a G to C substitution at nucleotide position 3120. The glutamine at codon 1040 is replaced by histidine, an amino acid with highly similar properties. This amino acid position is conserved. In addition, the in silico prediction for this alteration is inconclusive. Since supporting evidence is limited at this time, the clinical significance of this alteration remains unclear.